The following is an entry in ClinVar:

ClinVar aggregate classification (germline): Uncertain significance (1 of 4 stars; one submission).

Allele frequency attached by ClinVar (database versions not stated): ExAC 0.00001; gnomAD 0.00001; gnomAD exomes 0.00001 and 0.00003; TOPMed 0.00001.
gnomAD v4.1: 38 of 1,611,804 alleles (0.0024%); highest among the groups gnomAD compares: Non-Finnish European, 0.0032%; no homozygotes.

Submission:

Labcorp Genetics (formerly Invitae), Labcorp
Classification: Uncertain significance. Last evaluated: 2021-11-30. Review status: criteria provided, single submitter. Criteria: Invitae Variant Classification Sherloc (09022015). Collection method: clinical testing. Allele origin: germline.
Comment: In summary, the available evidence is currently insufficient to determine the role of this variant in disease. Therefore, it has been classified as a Variant of Uncertain Significance. Variants that disrupt the consensus splice site are a relatively common cause of aberrant splicing (PMID: 17576681, 9536098). Algorithms developed to predict the effect of sequence changes on RNA splicing suggest that this variant may disrupt the consensus splice site. This variant has not been reported in the literature in individuals affected with MS4A1-related conditions. This variant is present in population databases (rs757768943, gnomAD 0.003%). This sequence change falls in intron 7 of the MS4A1 gene. It does not directly change the encoded amino acid sequence of the MS4A1 protein. It affects a nucleotide within the consensus splice site.

Literature cited by the submitters: PubMed 17576681; PubMed 9536098.

NM_152866.3(MS4A1):c.675+6T>C

Gene: MS4A1 (membrane spanning 4-domains A1; plus strand). Cytogenetic location: 11q12.2.
Variant type: single nucleotide variant.
Coding change: c.675+6T>C on transcript NM_152866.3 (MANE Select); 6 bases into the intron after coding-DNA position 675, T replaced by C.
Molecular consequence: intron variant.
Genome position (GRCh38, 1-based): chr11:60,467,066, T>C. VCF-style: chr11-60467066-T-C. GRCh37 (hg19) VCF-style: chr11-60234539-T-C.
Other names: c.675+6T>C (NM_152867.2, NM_021950.4).
Identifiers: ClinVar variation 1434049 (VCV001434049.6), dbSNP rs757768943, ClinGen allele CA6025058.